The following is an entry in ClinVar:

NM_198576.4(AGRN):c.1589G>A (p.Arg530His)

Gene: AGRN (agrin; plus strand). Cytogenetic location: 1p36.33.
Variant type: single nucleotide variant.
Coding change: c.1589G>A on transcript NM_198576.4 (MANE Select); coding-DNA position 1589, G replaced by A.
Protein change: p.Arg530His; replaces arginine 530 with histidine.
Molecular consequence: missense variant.
Genome position (GRCh38, 1-based): chr1:1,043,443, G>A. VCF-style: chr1-1043443-G-A. GRCh37 (hg19) VCF-style: chr1-978823-G-A.
Other names: c.1589G>A, p.Arg530His (NM_001305275.2); c.1274G>A, p.Arg425His (NM_001364727.2); short protein forms R530H, R425H.
Identifiers: ClinVar variation 659505 (VCV000659505.12), dbSNP rs139590454, ClinGen allele CA508236.

ClinVar aggregate classification (germline): Uncertain significance. Review status: criteria provided, multiple submitters, no conflicts (2 of 4 stars). 2 submissions from 2 submitters: Uncertain significance (2). Last evaluated 2025-12-10.

Conditions:
Congenital myasthenic syndrome 8. Also called: MYASTHENIC SYNDROME, CONGENITAL, DUE TO AGRIN DEFICIENCY; Myasthenic syndrome, congenital, 8, with pre- and postsynaptic defects. Identifiers: Orphanet 590, MedGen C3808739, MONDO:0014052, OMIM 615120.
Inborn genetic diseases. Identifiers: MedGen C0950123, MeSH D030342.

Allele frequency attached by ClinVar (database versions not stated): TOPMed 0.00005; gnomAD exomes 0.00003; ExAC 0.00005.
gnomAD v4.1: 42 of 1,605,908 alleles (0.0026%); highest among the groups gnomAD compares: East Asian, 0.016%; no homozygotes.

Submissions (2):

Ambry Genetics
Classification: Uncertain significance for Inborn genetic diseases. Last evaluated: 2025-12-10. Review status: criteria provided, single submitter. Criteria: Ambry Variant Classification Scheme 2023. Collection method: clinical testing. Allele origin: germline.

Labcorp Genetics (formerly Invitae), Labcorp
Classification: Uncertain significance for Congenital myasthenic syndrome 8. Last evaluated: 2023-08-01. Review status: criteria provided, single submitter. Criteria: Invitae Variant Classification Sherloc (09022015). Collection method: clinical testing. Allele origin: germline.
Comment: The frequency data for this variant in the population databases is considered unreliable, as metrics indicate poor data quality at this position in the gnomAD database. This variant has not been reported in the literature in individuals affected with AGRN-related conditions. ClinVar contains an entry for this variant (Variation ID: 659505). Algorithms developed to predict the effect of missense changes on protein structure and function output the following: SIFT: "Not Available"; PolyPhen-2: "Benign"; Align-GVGD: "Not Available". The histidine amino acid residue is found in multiple mammalian species, which suggests that this missense change does not adversely affect protein function. In summary, the available evidence is currently insufficient to determine the role of this variant in disease. Therefore, it has been classified as a Variant of Uncertain Significance. This sequence change replaces arginine, which is basic and polar, with histidine, which is basic and polar, at codon 530 of the AGRN protein (p.Arg530His).